The following is an entry in ClinVar:

ClinVar aggregate classification (germline): Conflicting classifications of pathogenicity. Review status: criteria provided, conflicting classifications (1 of 4 stars). 4 submissions from 4 submitters: Uncertain significance (1); Likely benign (2). 1 of the submissions does not count toward it. Last evaluated 2025-05-06.

Conditions:
CAV3-related disorder. Also called: CAV3-related condition.
Cardiovascular phenotype. Identifiers: MedGen CN230736.
Long QT syndrome (LQTS). Identifiers: MedGen C0023976, MeSH D008133, MONDO:0002442. Disease mechanism: loss of function. Inheritance: Various modes of inheritance.

Allele frequency attached by ClinVar (database versions not stated): TOPMed 0.00001; gnomAD exomes 0.00002; ExAC 0.00001; gnomAD 0.00001.
gnomAD v4.1: 10 of 1,613,794 alleles (0.00062%); highest among the groups gnomAD compares: Admixed American, 0.017%; no homozygotes.

Submissions (4):

Labcorp Genetics (formerly Invitae), Labcorp
Classification: Likely benign for Long QT syndrome. Last evaluated: 2025-05-06. Review status: criteria provided, single submitter. Criteria: Invitae Variant Classification Sherloc (09022015). Collection method: clinical testing. Allele origin: germline.

Ambry Genetics
Classification: Likely benign for Cardiovascular phenotype. Last evaluated: 2023-07-05. Review status: criteria provided, single submitter. Criteria: Ambry Variant Classification Scheme 2023. Collection method: clinical testing. Allele origin: germline.

Eurofins Ntd Llc (ga)
Classification: Uncertain significance. Last evaluated: 2017-08-11. Review status: criteria provided, single submitter. Criteria: EGL Classification Definitions 2015. Collection method: clinical testing. Allele origin: germline. Observed: 1 variant allele, 1 heterozygote.

PreventionGenetics, part of Exact Sciences
Classification: Likely benign for CAV3-related condition. Last evaluated: 2019-06-04. Review status: no assertion criteria provided. Collection method: clinical testing. Allele origin: germline. Not counted in ClinVar's aggregate classification.
Comment: This variant is classified as likely benign based on ACMG/AMP sequence variant interpretation guidelines (Richards et al. 2015 PMID: 25741868, with internal and published modifications).

NM_033337.3(CAV3):c.117G>C (p.Val39=)

Genes: OXTR (oxytocin receptor; minus strand), CAV3 (caveolin 3; plus strand). Cytogenetic location: 3p25.3.
Variant type: single nucleotide variant.
Coding change: c.117G>C on transcript NM_033337.3 (MANE Select); coding-DNA position 117, G replaced by C.
Protein change: p.Val39=; no amino-acid change (valine 39 retained).
Molecular consequence: synonymous variant.
Genome position (GRCh38, 1-based): chr3:8,745,528, G>C. VCF-style: chr3-8745528-G-C. GRCh37 (hg19) VCF-style: chr3-8787214-G-C.
Other names: c.117G>C, p.Val39= (NM_001234.5).
Identifiers: ClinVar variation 415525 (VCV000415525.18), dbSNP rs753959620, ClinGen allele CA2236323.